The following is an entry in ClinVar:

NM_004239.4(TRIP11):c.3128_3131del (p.Thr1043fs)

Gene: TRIP11 (thyroid hormone receptor interactor 11; minus strand). Cytogenetic location: 14q32.12.
Variant type: Deletion.
Coding change: c.3128_3131del on transcript NM_004239.4 (MANE Select); coding-DNA positions 3128 to 3131, 4 bases deleted (CTAA; older notation c.3128_3131delCTAA).
Protein change: p.Thr1043fs; shifts the reading frame from threonine 1043.
Molecular consequence: frameshift variant.
Genome position (GRCh38, 1-based): chr14:92,004,845-92,004,848, TTAG deleted on the plus strand (CTAA on the coding strand, the reverse complement: TRIP11 is on the minus strand); deleting any 4 consecutive bases within chr14:92,004,845-92,004,851 gives the same sequence; the c. name uses the placement nearest the transcript's 3' end. VCF-style (leftmost placement, unchanged base first): chr14-92004844-TTTAG-T. GRCh37 (hg19) VCF-style: chr14-92471188-TTTAG-T.
Other names: c.3125_3128del, p.Thr1042fs (NM_001321851.1); c.3128_3131delCTAA (NM_004239.4); short protein forms T1042fs, T1043fs.
Identifiers: ClinVar variation 4845721 (VCV004845721.1).
Genomic context (GRCh38, chr14:92,004,844, plus strand): 5'-TTTCTGCTGAATAATCTGAGTTAGTTTACCAACTTCATCTTTGGACAACTGATCAATCTG[TTTAG>T]TTAAAGATATATTCTTTTCATTTAGAAGTTTAATCTCCAGTTCTCGCTCTTTTATTCCTT-3'

ClinVar aggregate classification (germline): Likely pathogenic (1 of 4 stars; one submission).

Conditions:
Achondrogenesis, type IA (ACG1A). Identifiers: Orphanet 932, Orphanet 93299, MedGen C0265273, MONDO:0008701, OMIM 200600.
Odontochondrodysplasia 1. Identifiers: Orphanet 166272, MedGen C5542277, MONDO:0100325, OMIM 184260.

Submission:

First Genomix Gene Laboratory, Genetic Diagnostics Department
Classification: Likely pathogenic for Achondrogenesis, type IA; Odontochondrodysplasia 1. Last evaluated: 2025-01-22. Review status: criteria provided, single submitter. Criteria: ACMG Guidelines, 2015. Collection method: clinical testing. Allele origin: germline. Inheritance: Autosomal recessive inheritance. Affected: no. Observed: 1 variant allele.